The following is an entry in ClinVar:

NM_004364.5(CEBPA):c.361C>T (p.Pro121Ser)

Gene: CEBPA (CCAAT enhancer binding protein alpha; minus strand). Cytogenetic location: 19q13.11.
Variant type: single nucleotide variant.
Coding change: c.361C>T on transcript NM_004364.5 (MANE Select); coding-DNA position 361, C replaced by T.
Protein change: p.Pro121Ser; replaces proline 121 with serine.
Molecular consequence: missense variant.
Genome position (GRCh38, 1-based): chr19:33,302,054, G>A on the plus strand (C>T on the coding strand, the complement: CEBPA is on the minus strand). VCF-style: chr19-33302054-G-A. GRCh37 (hg19) VCF-style: chr19-33792960-G-A.
Other names: c.4C>T, p.Pro2Ser (NM_001285829.2); c.466C>T, p.Pro156Ser (NM_001287424.2); c.319C>T, p.Pro107Ser (NM_001287435.2); short protein forms P107S, P121S, P156S, P2S.
Identifiers: ClinVar variation 1019890 (VCV001019890.9), dbSNP rs1967187823, ClinGen allele CA405275110.

ClinVar aggregate classification (germline): Uncertain significance (1 of 4 stars; one submission).

Conditions:
Acute myeloid leukemia (AML). Also called: Acute myeloid leukemia, adult; AML adult; Acute non-lymphocytic leukemia; Acute granulocytic leukemia; Leukemia, acute myelogenous, somatic; Leukemia, acute myeloid, somatic. Identifiers: Orphanet 519, MedGen C0023467, MeSH D015470, MONDO:0018874, OMIM 601626, HP:0004808. Disease mechanism: Constitutively activated FLT3.

Submission:

Labcorp Genetics (formerly Invitae), Labcorp
Classification: Uncertain significance for Acute myeloid leukemia. Last evaluated: 2022-03-28. Review status: criteria provided, single submitter. Criteria: Invitae Variant Classification Sherloc (09022015). Collection method: clinical testing. Allele origin: germline.
Comment: In summary, the available evidence is currently insufficient to determine the role of this variant in disease. Therefore, it has been classified as a Variant of Uncertain Significance. Algorithms developed to predict the effect of missense changes on protein structure and function output the following: SIFT: "Tolerated"; PolyPhen-2: "Benign"; Align-GVGD: "Class C0". The serine amino acid residue is found in multiple mammalian species, which suggests that this missense change does not adversely affect protein function. ClinVar contains an entry for this variant (Variation ID: 1019890). This variant has not been reported in the literature in individuals affected with CEBPA-related conditions. The frequency data for this variant in the population databases is considered unreliable, as metrics indicate insufficient coverage at this position in the gnomAD database. This sequence change replaces proline, which is neutral and non-polar, with serine, which is neutral and polar, at codon 121 of the CEBPA protein (p.Pro121Ser).